The following is an entry in ClinVar:

ClinVar aggregate classification (germline): Uncertain significance (1 of 4 stars; one submission).

Allele frequency attached by ClinVar (database versions not stated): gnomAD 0.00004 and 0.00005.
gnomAD v4.1: 46 of 1,612,686 alleles (0.0029%); highest among the groups gnomAD compares: Middle Eastern, 0.095%; no homozygotes.

Submission:

Labcorp Genetics (formerly Invitae), Labcorp
Classification: Uncertain significance. Last evaluated: 2024-10-16. Review status: criteria provided, single submitter. Criteria: Invitae Variant Classification Sherloc (09022015). Collection method: clinical testing. Allele origin: germline.
Comment: This sequence change falls in intron 16 of the TTC37 gene. It does not directly change the encoded amino acid sequence of the TTC37 protein. It affects a nucleotide within the consensus splice site. This variant is present in population databases (rs769871697, gnomAD 0.01%). This variant has not been reported in the literature in individuals affected with TTC37-related conditions. ClinVar contains an entry for this variant (Variation ID: 1401997). Variants that disrupt the consensus splice site are a relatively common cause of aberrant splicing (PMID: 17576681, 9536098). Algorithms developed to predict the effect of sequence changes on RNA splicing suggest that this variant is not likely to affect RNA splicing. In summary, the available evidence is currently insufficient to determine the role of this variant in disease. Therefore, it has been classified as a Variant of Uncertain Significance.

Literature cited by the submitters: PubMed 17576681; PubMed 9536098.

NM_014639.4(SKIC3):c.1452+6G>A

Gene: SKIC3 (SKI3 subunit of superkiller complex; minus strand). Cytogenetic location: 5q15.
Variant type: single nucleotide variant.
Coding change: c.1452+6G>A on transcript NM_014639.4 (MANE Select); 6 bases into the intron after coding-DNA position 1452, G replaced by A.
Molecular consequence: intron variant.
Genome position (GRCh38, 1-based): chr5:95,524,459, C>T on the plus strand (G>A on the coding strand, the complement: SKIC3 is on the minus strand). VCF-style: chr5-95524459-C-T. GRCh37 (hg19) VCF-style: chr5-94860163-C-T.
Identifiers: ClinVar variation 1401997 (VCV001401997.5), dbSNP rs769871697, ClinGen allele CA3347330.
Genomic context (GRCh38, chr5:95,524,459, plus strand): 5'-ATGATTATTATTTATGATTTTATAATGCCATTTCAACTAGGAATTGAATTGTAGCACTTG[C>T]TTTACCTTCAGAAAGTGGGTAAGAGCCTTTGTTTTATCTTTTCTTGTCTCTTCACCCATG-3'